The following is an entry in ClinVar:

NM_022166.4(XYLT1):c.1939G>A (p.Val647Met)

Genes: XYLT1 (xylosyltransferase 1; minus strand), LOC102723692 (uncharacterized LOC102723692; plus strand). Cytogenetic location: 16p12.3.
Variant type: single nucleotide variant.
Coding change: c.1939G>A on transcript NM_022166.4 (MANE Select); coding-DNA position 1939, G replaced by A.
Protein change: p.Val647Met; replaces valine 647 with methionine.
Molecular consequence: missense variant.
Genome position (GRCh38, 1-based): chr16:17,134,561, C>T on the plus strand (G>A on the coding strand, the complement: XYLT1 is on the minus strand). VCF-style: chr16-17134561-C-T. GRCh37 (hg19) VCF-style: chr16-17228418-C-T.
Other names: short protein forms V647M.
Identifiers: ClinVar variation 1035106 (VCV001035106.8), dbSNP rs756272760, ClinGen allele CA7927725.

ClinVar aggregate classification (germline): Uncertain significance (1 of 4 stars; one submission).

Conditions:
Desbuquois dysplasia 1 (DBQD1). Also called: DESBUQUOIS DYSPLASIA 1, KIM VARIANT; MICROMELIC DWARFISM WITH VERTEBRAL AND METAPHYSEAL ABNORMALITIES AND ADVANCED CARPOTARSAL OSSIFICATION. Identifiers: Orphanet 1425, MedGen C4012146, MONDO:0009629, OMIM 251450.

Allele frequency attached by ClinVar (database versions not stated): ExAC 0.00001; gnomAD 0.00001; gnomAD exomes 0.00001; TOPMed 0.00001.
gnomAD v4.1: 11 of 1,614,038 alleles (0.00068%); highest among the groups gnomAD compares: South Asian, 0.0033%; no homozygotes.

Submission:

Labcorp Genetics (formerly Invitae), Labcorp
Classification: Uncertain significance for Desbuquois dysplasia 1. Last evaluated: 2022-06-13. Review status: criteria provided, single submitter. Criteria: Invitae Variant Classification Sherloc (09022015). Collection method: clinical testing. Allele origin: germline.
Comment: Algorithms developed to predict the effect of missense changes on protein structure and function are either unavailable or do not agree on the potential impact of this missense change (SIFT: "Tolerated"; PolyPhen-2: "Probably Damaging"; Align-GVGD: "Class C0"). This sequence change replaces valine, which is neutral and non-polar, with methionine, which is neutral and non-polar, at codon 647 of the XYLT1 protein (p.Val647Met). This variant is present in population databases (rs756272760, gnomAD 0.006%). This variant has not been reported in the literature in individuals affected with XYLT1-related conditions. ClinVar contains an entry for this variant (Variation ID: 1035106). In summary, the available evidence is currently insufficient to determine the role of this variant in disease. Therefore, it has been classified as a Variant of Uncertain Significance.